The following is an entry in ClinVar:

NM_001370259.2(MEN1):c.446-10C>T

Gene: MEN1 (menin 1; minus strand). Cytogenetic location: 11q13.1.
Variant type: single nucleotide variant.
Coding change: c.446-10C>T on transcript NM_001370259.2 (MANE Select); 10 bases into the intron before coding-DNA position 446, C replaced by T.
Molecular consequence: intron variant.
Genome position (GRCh38, 1-based): chr11:64,808,109, G>A on the plus strand (C>T on the coding strand, the complement: MEN1 is on the minus strand). VCF-style: chr11-64808109-G-A. GRCh37 (hg19) VCF-style: chr11-64575581-G-A.
Other names: c.461-10C>T (NM_130804.3, NM_130803.3, NM_000244.4 and 3 more transcripts); c.446-10C>T (NM_130799.3, NM_001370260.2, NM_001370251.2 and 3 more transcripts).
Identifiers: ClinVar variation 743867 (VCV000743867.10), dbSNP rs1442401628, ClinGen allele CA599804106.
Genomic context (GRCh38, chr11:64,808,109, plus strand): 5'-GGCAGGCCCCAACCACAGCAAAGGCCACACCGGAGCTGTCCAATTTGGTGCCTGTGGAAG[G>A]GGGAGGTAATGAAAGAGGGTCCTCTGTGCTTTAACATGGGGAAAGGGGGCCAGGTAGTGA-3'

ClinVar aggregate classification (germline): Likely benign. Review status: criteria provided, multiple submitters, no conflicts (2 of 4 stars). 2 submissions from 2 submitters: Likely benign (2). Last evaluated 2025-07-30.

Conditions:
Multiple endocrine neoplasia, type 1 (MEN1). Also called: MEA I; MEN I; WERMER SYNDROME; Endocrine adenomatosis multiple; MEN 1. Identifiers: Orphanet 652, MedGen C0025267, MeSH D018761, MONDO:0007540, OMIM 131100.

Allele frequency attached by ClinVar (database versions not stated): gnomAD exomes below 0.00001; TOPMed below 0.00001.
gnomAD v4.1: 1 of 1,601,956 alleles (0.000062%); highest among the groups gnomAD compares: Admixed American, 0.0017%; no homozygotes.

Submissions (2):

Labcorp Genetics (formerly Invitae), Labcorp
Classification: Likely benign for Multiple endocrine neoplasia, type 1. Last evaluated: 2025-07-30. Review status: criteria provided, single submitter. Criteria: Invitae Variant Classification Sherloc (09022015). Collection method: clinical testing. Allele origin: germline.

Myriad Genetics, Inc.
Classification: Likely benign for Multiple endocrine neoplasia, type 1. Last evaluated: 2024-11-01. Review status: criteria provided, single submitter. Criteria: Myriad Autosomal Dominant, Autosomal Recessive and X-Linked Classification Criteria (2023). Collection method: clinical testing. Allele origin: unknown.
Comment: This variant is considered likely benign. This variant is intronic and is not expected to impact mRNA splicing.